The following is an entry in ClinVar:

NM_004960.4(FUS):c.253C>T (p.Gln85Ter)

Gene: FUS (FUS RNA binding protein; plus strand). Cytogenetic location: 16p11.2.
Variant type: single nucleotide variant.
Coding change: c.253C>T on transcript NM_004960.4 (MANE Select); coding-DNA position 253, C replaced by T.
Protein change: p.Gln85Ter; replaces glutamine 85 with a stop codon.
Molecular consequence: nonsense. On other transcripts: non-coding transcript variant (1).
Genome position (GRCh38, 1-based): chr16:31,183,920, C>T. VCF-style: chr16-31183920-C-T. GRCh37 (hg19) VCF-style: chr16-31195241-C-T.
Other names: c.250C>T, p.Gln84Ter (NM_001170634.1); c.253C>T, p.Gln85Ter (NM_001170937.1); short protein forms Q84*, Q85*.
Identifiers: ClinVar variation 1918103 (VCV001918103.5), dbSNP rs2544251972, ClinGen allele CA395666685.

ClinVar aggregate classification (germline): Pathogenic (1 of 4 stars; one submission).

Conditions:
Amyotrophic lateral sclerosis type 6. Also called: FUS-Related Amyotrophic Laterial Sclerosis; Amyotrophic lateral sclerosis 6, with or without frontotemporal dementia; AMYOTROPHIC LATERAL SCLEROSIS 6 WITHOUT FRONTOTEMPORAL DEMENTIA. Identifiers: Orphanet 275872, Orphanet 803, MedGen C2931786, MONDO:0011951, OMIM 608030.
Tremor, hereditary essential, 4 (ETM4). Identifiers: MedGen C3539195, MONDO:0013888, OMIM 614782.

Submission:

Labcorp Genetics (formerly Invitae), Labcorp
Classification: Pathogenic for Tremor, hereditary essential, 4; Amyotrophic lateral sclerosis type 6. Last evaluated: 2022-09-20. Review status: criteria provided, single submitter. Criteria: Invitae Variant Classification Sherloc (09022015). Collection method: clinical testing. Allele origin: germline.
Comment: This variant is not present in population databases (gnomAD no frequency). This sequence change creates a premature translational stop signal (p.Gln85*) in the FUS gene. It is expected to result in an absent or disrupted protein product. Loss-of-function variants in FUS are known to be pathogenic (PMID: 20660363, 23217123). This premature translational stop signal has been observed in individual(s) with clinical features of FUS-related conditions (PMID: 31692161). For these reasons, this variant has been classified as Pathogenic.

Literature cited by the submitters: PubMed 20660363; PubMed 23217123; PubMed 31692161.